The following is an entry in ClinVar:

ClinVar aggregate classification (germline): Benign. Review status: criteria provided, multiple submitters, no conflicts (2 of 4 stars). 2 submissions from 2 submitters: Benign (2). Last evaluated 2016-03-28.

Allele frequency attached by ClinVar (database versions not stated): TOPMed 0.19191; 1000 Genomes Project 30x 0.20628; gnomAD 0.20745; 1000 Genomes Project 0.21166.
gnomAD v4.1: 284,631 of 1,270,140 alleles (22%); highest among the groups gnomAD compares: South Asian, 31%; 31,148 homozygotes.

Submissions (2):

Laboratory for Molecular Medicine, Mass General Brigham Personalized Medicine
Classification: Benign. Last evaluated: 2016-03-28. Review status: criteria provided, single submitter. Criteria: LMM Criteria. Collection method: clinical testing. Allele origin: germline.
Comment: Variant identified in a genome or exome case(s) and assessed due to predicted null impact of the variant or pathogenic assertions in the literature or databases. Disclaimer: This variant has not undergone full assessment. The following are preliminary notes: Frequency in 1000Genomes: 410/2178=18.8%

Breakthrough Genomics
Classification: Benign. Review status: criteria provided, single submitter. Criteria: ACMG Guidelines, 2015. Collection method: not provided. Allele origin: germline. Inheritance: Autosomal dominant inheritance. Affected: yes.

NM_000099.4(CST3):c.-72A>C

Genes: CST3 (cystatin C; minus strand), LOC130065547 (ATAC-STARR-seq lymphoblastoid silent region 12734; plus strand). Cytogenetic location: 20p11.21.
Variant type: single nucleotide variant.
Coding change: c.-72A>C on transcript NM_000099.4 (MANE Select); 72 bases upstream of the start codon, A replaced by C.
Molecular consequence: 5 prime UTR variant.
Genome position (GRCh38, 1-based): chr20:23,637,934, T>G on the plus strand (A>C on the coding strand, the complement: CST3 is on the minus strand). VCF-style: chr20-23637934-T-G. GRCh37 (hg19) VCF-style: chr20-23618571-T-G.
Other names: c.-72A>C (NM_001288614.2).
Identifiers: ClinVar variation 402569 (VCV000402569.5), dbSNP rs73318135, ClinGen allele CA16609787.
Genomic context (GRCh38, chr20:23,637,934, plus strand): 5'-ACGCGGGACGCGGGGAGTGGGGCGCAGGCGAGAGGCTGGAGCTAGATAGAGAGGACCCGC[T>G]GCGATACCGAGGCGAGGCCGTGAGCCCCGCGAGGCCGGCGACTGCGGTTTTATCCCTTCC-3'